The following is an entry in ClinVar:

NM_000257.4(MYH7):c.4357C>G (p.Leu1453Val)

Genes: MHRT (myosin heavy chain associated RNA transcript; plus strand), MYH7 (myosin heavy chain 7; minus strand). Cytogenetic location: 14q11.2.
Variant type: single nucleotide variant.
Coding change: c.4357C>G on transcript NM_000257.4 (MANE Select); coding-DNA position 4357, C replaced by G.
Protein change: p.Leu1453Val; replaces leucine 1453 with valine.
Molecular consequence: missense variant. On other transcripts: non-coding transcript variant (1).
Genome position (GRCh38, 1-based): chr14:23,417,315, G>C on the plus strand (C>G on the coding strand, the complement: MYH7 is on the minus strand). VCF-style: chr14-23417315-G-C. GRCh37 (hg19) VCF-style: chr14-23886524-G-C.
Other names: c.4357C>G, p.Leu1453Val (NM_001407004.1); short protein forms L1453V.
Identifiers: ClinVar variation 2051350 (VCV002051350.4), dbSNP rs2502250427, ClinGen allele CA389038936.

ClinVar aggregate classification (germline): Uncertain significance (1 of 4 stars; one submission).

Conditions:
Hypertrophic cardiomyopathy. Also called: HYPERTROPHIC MYOCARDIOPATHY. Identifiers: Orphanet 217569, MedGen C0007194, MeSH D002312, MONDO:0005045, HP:0001639.

Submission:

Labcorp Genetics (formerly Invitae), Labcorp
Classification: Uncertain significance for Hypertrophic cardiomyopathy. Last evaluated: 2021-12-21. Review status: criteria provided, single submitter. Criteria: Invitae Variant Classification Sherloc (09022015). Collection method: clinical testing. Allele origin: germline.
Comment: In summary, the available evidence is currently insufficient to determine the role of this variant in disease. Therefore, it has been classified as a Variant of Uncertain Significance. This variant disrupts the p.Leu1453 amino acid residue in MYH7. Other variant(s) that disrupt this residue have been determined to be pathogenic (PMID: 25447691). This suggests that this residue is clinically significant, and that variants that disrupt this residue are likely to be disease-causing. Algorithms developed to predict the effect of missense changes on protein structure and function are either unavailable or do not agree on the potential impact of this missense change (SIFT: "Deleterious"; PolyPhen-2: "Possibly Damaging"; Align-GVGD: "Class C0"). This variant has not been reported in the literature in individuals affected with MYH7-related conditions. This variant is not present in population databases (gnomAD no frequency). This sequence change replaces leucine, which is neutral and non-polar, with valine, which is neutral and non-polar, at codon 1453 of the MYH7 protein (p.Leu1453Val).

Literature cited by the submitters: PubMed 25447691.